The following is an entry in ClinVar:

ClinVar aggregate classification (germline): Uncertain significance (1 of 4 stars; one submission).

Conditions:
Hereditary nonpolyposis colorectal neoplasms. Identifiers: MedGen C0009405, MeSH D003123.

Submission:

Labcorp Genetics (formerly Invitae), Labcorp
Classification: Uncertain significance for Hereditary nonpolyposis colorectal neoplasms. Last evaluated: 2021-06-02. Review status: criteria provided, single submitter. Criteria: Invitae Variant Classification Sherloc (09022015). Collection method: clinical testing. Allele origin: germline.
Comment: This sequence change replaces methionine with isoleucine at codon 672 of the PMS2 protein (p.Met672Ile). The methionine residue is moderately conserved and there is a small physicochemical difference between methionine and isoleucine. The frequency data for this variant in the population databases (ExAC) is considered unreliable due to the presence of homologous sequence, such as pseudogenes or paralogs, in the genome. This variant has been observed in individual(s) with colorectal cancer (PMID: 31992580). Advanced modeling of protein sequence and biophysical properties (such as structural, functional, and spatial information, amino acid conservation, physicochemical variation, residue mobility, and thermodynamic stability) performed at Invitae indicates that this missense variant is not expected to disrupt PMS2 protein function. In summary, the available evidence is currently insufficient to determine the role of this variant in disease. Therefore, it has been classified as a Variant of Uncertain Significance.

Literature cited by the submitters: PubMed 31992580.

NM_000535.7(PMS2):c.2016G>A (p.Met672Ile)

Gene: PMS2 (PMS1 homolog 2, mismatch repair system component; minus strand). Cytogenetic location: 7p22.1.
Variant type: single nucleotide variant.
Coding change: c.2016G>A on transcript NM_000535.7 (MANE Select); coding-DNA position 2016, G replaced by A.
Protein change: p.Met672Ile; replaces methionine 672 with isoleucine.
Molecular consequence: missense variant. On other transcripts: non-coding transcript variant (1).
Genome position (GRCh38, 1-based): chr7:5,982,982, C>T on the plus strand (G>A on the coding strand, the complement: PMS2 is on the minus strand). VCF-style: chr7-5982982-C-T. GRCh37 (hg19) VCF-style: chr7-6022613-C-T.
Other names: c.1611G>A, p.Met537Ile (NM_001322003.2, NM_001322004.2, NM_001322005.2 and 1 more transcripts); c.1860G>A, p.Met620Ile (NM_001322006.2); c.1698G>A, p.Met566Ile (NM_001322007.2, NM_001322008.2); c.1455G>A, p.Met485Ile (NM_001322010.2); c.1083G>A, p.Met361Ile (NM_001322011.2, NM_001322012.2); c.1443G>A, p.Met481Ile (NM_001322013.2); c.2016G>A, p.Met672Ile (NM_001322014.2); c.1707G>A, p.Met569Ile (NM_001322015.2); short protein forms M361I, M481I, M569I, M620I, M485I, M566I, M537I, M672I.
Identifiers: ClinVar variation 1509142 (VCV001509142.8), dbSNP rs2128704802, ClinGen allele CA366738182.